The following is an entry in ClinVar:

ClinVar aggregate classification (germline): Conflicting classifications of pathogenicity. Review status: criteria provided, conflicting classifications (1 of 4 stars). 10 submissions from 10 submitters: Uncertain significance (6); Benign (2); Likely benign (2). Last evaluated 2026-06-22.

Conditions:
Hereditary cancer-predisposing syndrome. Also called: Hereditary Cancer Syndrome; Hereditary neoplastic syndrome; Neoplastic Syndromes, Hereditary; Tumor predisposition. Identifiers: Orphanet 140162, MedGen C0027672, MeSH D009386, MONDO:0015356.
Retinoblastoma (RB1). Also called: RETINOBLASTOMA, SOMATIC. Identifiers: Orphanet 790, MedGen C0035335, MeSH D012175, MONDO:0008380, OMIM 180200, HP:0009919. Disease mechanism: loss of function. Inheritance: Both sporadic and heritable forms are tested..

Allele frequency attached by ClinVar (database versions not stated): TOPMed 0.00002; ExAC 0.00003; gnomAD 0.00001; gnomAD exomes 0.00002 and 0.00005; ESP Exome Variant Server 0.00008.
gnomAD v4.1: 44 of 1,612,646 alleles (0.0027%); highest among the groups gnomAD compares: South Asian, 0.036%; no homozygotes.

Submissions (11):

Myriad Genetics, Inc.
Classification: Likely benign for Retinoblastoma. Last evaluated: 2026-06-22. Review status: criteria provided, single submitter. Criteria: Myriad Autosomal Dominant, Autosomal Recessive and X-Linked Classification Criteria (2023). Collection method: clinical testing. Allele origin: unknown.
Comment: This variant is considered likely benign. This variant has been observed at a population frequency that is significantly greater than expected given the associated disease prevalence and penetrance.

Labcorp Genetics (formerly Invitae), Labcorp
Classification: Benign for Retinoblastoma. Last evaluated: 2025-12-27. Review status: criteria provided, single submitter. Criteria: Invitae Variant Classification Sherloc (09022015). Collection method: clinical testing. Allele origin: germline.

Color Diagnostics, LLC DBA Color Health
Classification: Likely benign for Retinoblastoma. Last evaluated: 2025-06-24. Review status: criteria provided, single submitter. Criteria: ACMG Guidelines, 2015. Collection method: clinical testing. Allele origin: germline.

Genetic Diagnostic Laboratory, University of Pennsylvania School of Medicine
Classification: Uncertain significance for Retinoblastoma. Last evaluated: 2024-05-20. Review status: criteria provided, single submitter. Criteria: ACMG Guidelines, 2015. Collection method: clinical testing. Allele origin: germline. Affected: yes. Observed: 1 variant allele.
Comment: Case and Pedigree Information: BILATERAL CASES:1, UNILATERAL CASES:0, TOTAL CASES:1, PEDIGREES:1. ACMG Codes Applied:PM1, PM2

GeneDx
Classification: Uncertain significance. Last evaluated: 2024-03-08. Review status: criteria provided, single submitter. Criteria: GeneDx Variant Classification Process June 2021. Collection method: clinical testing. Allele origin: germline. Affected: yes.
Comment: In silico analysis supports that this missense variant does not alter protein structure/function; Published functional study suggests a hypomorphic impact: splicing impairment leads to an in-frame deletion of part of the C-terminal domain in 32% of transcripts, with the remaining transcripts being full-length (PMID: 32974172); This variant is associated with the following publications: (PMID: 28875981, 23516486, 34294096, 32974172, 36140756, 15884040)

All of Us Research Program, National Institutes of Health
Classification: Uncertain significance for Retinoblastoma. Last evaluated: 2023-12-13. Review status: criteria provided, single submitter. Criteria: ACMG Guidelines, 2015. Collection method: clinical testing. Allele origin: germline. Inheritance: Autosomal dominant inheritance. Observed: 3 variant alleles, 3 heterozygotes.
Comment: This missense variant replaces arginine with glutamine at codon 798 of the RB1 protein. Computational prediction is inconclusive regarding the impact of this variant on protein structure and function (internally defined REVEL score threshold 0.5 < inconclusive < 0.7, PMID: 27666373). This variant additional creates a de novo splice acceptor site which results in incomplete skipping of exon 23 with the inclusion of 4 additional amino acids (PMID: 32974172). This variant has been reported in individuals affected with bilateral retinoblastoma (PMID: 15884040), gastric cancer (PMID: 28875981), and an individual with a malignant ovarian germ cell tumor (PMID: 32974172). This variant has been identified in 15/282612 chromosomes in the general population by the Genome Aggregation Database (gnomAD). The available evidence is insufficient to determine the role of this variant in disease conclusively. Therefore, this variant is classified as a Variant of Uncertain Significance.

This study involves interpretation of variants in research participants for the purpose of population health screening. Participant phenotype was not available at the time of variant classification. Additional details can be found in publication PMID: 35346344, PMCID: PMC8962531

Mendelics
Classification: Uncertain significance. Last evaluated: 2022-05-04. Review status: criteria provided, single submitter. Criteria: Mendelics Assertion Criteria 2019. Collection method: clinical testing. Allele origin: germline.

Ambry Genetics
Classification: Benign for Hereditary cancer-predisposing syndrome. Last evaluated: 2021-09-10. Review status: criteria provided, single submitter. Criteria: Ambry Variant Classification Scheme 2023. Collection method: clinical testing. Allele origin: germline.

Revvity Omics, Revvity
Classification: Uncertain significance for Retinoblastoma. Last evaluated: 2020-12-11. Review status: criteria provided, single submitter. Criteria: ACMG Guidelines, 2015. Collection method: clinical testing. Allele origin: germline.

Illumina Laboratory Services, Illumina
Classification: Uncertain significance for Retinoblastoma. Last evaluated: 2017-04-27. Review status: criteria provided, single submitter. Criteria: ICSL Variant Classification Criteria 13 December 2019. Collection method: clinical testing. Allele origin: germline.
Comment: This variant was observed as part of a predisposition screen in an ostensibly healthy population. A literature search was performed for the gene, cDNA change, and amino acid change (where applicable). Publications were found based on this search. However, the evidence from the literature, in combination with allele frequency data from public databases where available, was not sufficient to rule this variant in or out of causing disease. Therefore, this variant is classified as a variant of unknown significance.

Dr. Peter K. Rogan Lab, Western University
No classification provided (evidence only). Condition: Thyroid cancer, nonmedullary, 1. Review status: no classification provided. Collection method: in vitro. Allele origin: not applicable. Functional consequence: retained intron. Not counted in ClinVar's aggregate classification.

Literature cited by the submitters: PubMed 15884040 (cited by 3 submitters); PubMed 28875981 (cited by All of Us Research Program, National Institutes of Health and Ambry Genetics); PubMed 32974172 (cited by All of Us Research Program, National Institutes of Health and Ambry Genetics).

NM_000321.3(RB1):c.2393G>A (p.Arg798Gln)

Gene: RB1 (RB transcriptional corepressor 1; plus strand). Cytogenetic location: 13q14.2.
Variant type: single nucleotide variant.
Coding change: c.2393G>A on transcript NM_000321.3 (MANE Select); coding-DNA position 2393, G replaced by A.
Protein change: p.Arg798Gln; replaces arginine 798 with glutamine.
Molecular consequence: missense variant.
Genome position (GRCh38, 1-based): chr13:48,465,272, G>A. VCF-style: chr13-48465272-G-A. GRCh37 (hg19) VCF-style: chr13-49039408-G-A.
Other names: short protein forms R798Q.
Identifiers: ClinVar variation 701782 (VCV000701782.28), dbSNP rs374523971, ClinGen allele CA035464.